The following is an entry in ClinVar:

NM_000617.3(SLC11A2):c.1348-10T>C

Gene: SLC11A2 (solute carrier family 11 member 2; minus strand). Cytogenetic location: 12q13.12.
Variant type: single nucleotide variant.
Coding change: c.1348-10T>C on transcript NM_000617.3 (MANE Select); 10 bases into the intron before coding-DNA position 1348, T replaced by C.
Molecular consequence: intron variant.
Genome position (GRCh38, 1-based): chr12:50,991,682, A>G on the plus strand (T>C on the coding strand, the complement: SLC11A2 is on the minus strand). VCF-style: chr12-50991682-A-G. GRCh37 (hg19) VCF-style: chr12-51385465-A-G.
Other names: c.1435-10T>C (NM_001379446.1, NM_001379455.1, NM_001174125.2); c.1237-10T>C (NM_001414747.1, NM_001414748.1); c.1348-10T>C (NM_001174127.2, NM_001414744.1, NM_001174126.2 and 5 more transcripts); c.1336-10T>C (NM_001379448.1, NM_001174130.2); c.1111-10T>C (NM_001414749.1, NM_001414750.1).
Identifiers: ClinVar variation 309310 (VCV000309310.11), dbSNP rs189993499, ClinGen allele CA6566501.
Genomic context (GRCh38, chr12:50,991,682, plus strand): 5'-TACTGGCCGCAAGCTCGTAAATGTGAGGATGGGTATGAGAGCAAAGGGAAGCTGGAAAAG[A>G]AAGAAGATCAGATGGGATTACTATGGGTCCTTGTATCACCCTAGAGAACAGCACAATTAA-3'

ClinVar aggregate classification (germline): Benign/Likely benign. Review status: criteria provided, multiple submitters, no conflicts (2 of 4 stars). 3 submissions from 3 submitters: Benign (1); Likely benign (2). Last evaluated 2025-10-29.

Conditions:
Microcytic anemia with liver iron overload. Also called: Anemia, hypochromic microcytic, with iron overload 1. Identifiers: Orphanet 83642, MedGen C3806153, MONDO:0008787, OMIM 206100.

Allele frequency attached by ClinVar (database versions not stated): gnomAD 0.00012 and 0.00021; TOPMed 0.00024; ExAC 0.00055; gnomAD exomes 0.00056; 1000 Genomes Project 30x 0.00125; 1000 Genomes Project 0.00160.
gnomAD v4.1: 235 of 1,611,126 alleles (0.015%); highest among the groups gnomAD compares: East Asian, 0.37%; 4 homozygotes.

Submissions (3):

Labcorp Genetics (formerly Invitae), Labcorp
Classification: Benign. Last evaluated: 2025-10-29. Review status: criteria provided, single submitter. Criteria: Invitae Variant Classification Sherloc (09022015). Collection method: clinical testing. Allele origin: germline.

Blueprint Genetics
Classification: Likely benign. Last evaluated: 2024-09-04. Review status: criteria provided, single submitter. Criteria: ACMG Guidelines, 2015. Collection method: clinical testing. Allele origin: germline.

Illumina Laboratory Services, Illumina
Classification: Likely benign for Microcytic anemia with liver iron overload. Last evaluated: 2018-01-13. Review status: criteria provided, single submitter. Criteria: ICSL Variant Classification Criteria 13 December 2019. Collection method: clinical testing. Allele origin: germline.
Comment: This variant was observed in the ICSL laboratory as part of a predisposition screen in an ostensibly healthy population. It had not been previously curated by ICSL or reported in the Human Gene Mutation Database (HGMD: prior to June 1st, 2018), and was therefore a candidate for classification through an automated scoring system. Utilizing variant allele frequency, disease prevalence and penetrance estimates, and inheritance mode, an automated score was calculated to assess if this variant is too frequent to cause the disease. Based on the score and internal cut-off values, a variant classified as likely benign is not then subjected to further curation. The score for this variant resulted in a classification of likely benign for this disease.